The following is an entry in ClinVar:

ClinVar aggregate classification (germline): Uncertain significance. Review status: criteria provided, single submitter (1 of 4 stars). 2 submissions from 2 submitters: Uncertain significance (1). 1 of the submissions does not count toward it. Last evaluated 2022-09-12.

Conditions:
Cohen syndrome (COH1). Also called: Cutis verticis gyrata, retinitis pigmentosa, and sensorineural deafness; PEPPER SYNDROME. Identifiers: Orphanet 193, MedGen C0265223, MONDO:0008999, OMIM 216550.

Submissions (2):

Labcorp Genetics (formerly Invitae), Labcorp
Classification: Uncertain significance for Cohen syndrome. Last evaluated: 2022-09-12. Review status: criteria provided, single submitter. Criteria: Invitae Variant Classification Sherloc (09022015). Collection method: clinical testing. Allele origin: germline.
Comment: In summary, the available evidence is currently insufficient to determine the role of this variant in disease. Therefore, it has been classified as a Variant of Uncertain Significance. Advanced modeling of protein sequence and biophysical properties (such as structural, functional, and spatial information, amino acid conservation, physicochemical variation, residue mobility, and thermodynamic stability) performed at Invitae indicates that this missense variant is not expected to disrupt VPS13B protein function. ClinVar contains an entry for this variant (Variation ID: 1448269). This variant has not been reported in the literature in individuals affected with VPS13B-related conditions. This variant is not present in population databases (gnomAD no frequency). This sequence change replaces glutamine with lysine at codon 1950 of the VPS13B protein (p.Gln1950Lys). The glutamine residue is weakly conserved and there is a small physicochemical difference between glutamine and lysine.

Natera, Inc.
Classification: Uncertain significance for Cohen syndrome. Last evaluated: 2025-03-17. Review status: no assertion criteria provided. Collection method: clinical testing. Allele origin: germline. Not counted in ClinVar's aggregate classification.

NM_152564.5(VPS13B):c.5773C>A (p.Gln1925Lys)

Gene: VPS13B (vacuolar protein sorting 13 homolog B; plus strand). Cytogenetic location: 8q22.2.
Variant type: single nucleotide variant.
Coding change: c.5773C>A on transcript NM_152564.5 (MANE Select); coding-DNA position 5773, C replaced by A.
Protein change: p.Gln1925Lys; replaces glutamine 1925 with lysine.
Molecular consequence: missense variant.
Genome position (GRCh38, 1-based): chr8:99,642,363, C>A. VCF-style: chr8-99642363-C-A. GRCh37 (hg19) VCF-style: chr8-100654591-C-A.
Other names: c.5848C>A, p.Gln1950Lys (NM_017890.5); c.5848C>A (NM_017890.4); short protein forms Q1925K, Q1950K.
Identifiers: ClinVar variation 1448269 (VCV001448269.9), dbSNP rs2133932374, ClinGen allele CA371873267.
Genomic context (GRCh38, chr8:99,642,363, plus strand): 5'-AGACAAGCACTTGGTATAACTATTGTTCGGCAGCCTGGTCGAAGAGGAACTGGTGACTTA[C>A]AGCTAGAGCCTTTTCTGTACTTTATTGTGTCCCAGCCTTCCTTGCTTCTGAGTTGTCACC-3'
Protein context (NP_689777.3, residues 1915-1935): QPGRRGTGDL[Gln1925Lys]LEPFLYFIVS